The following is an entry in ClinVar:

ClinVar aggregate classification (germline): Uncertain significance. Review status: criteria provided, multiple submitters, no conflicts (2 of 4 stars). 2 submissions from 2 submitters: Uncertain significance (2). Last evaluated 2024-06-11.

Conditions:
Alpha thalassemia-X-linked intellectual disability syndrome (ATRX). Also called: ALPHA-THALASSEMIA/MENTAL RETARDATION SYNDROME, X-LINKED; ATR, NONDELETION TYPE; ATR-X syndrome; Alpha thalassemia mental retardation syndrome, nondeletion type, X-linked; XLMR hypotonic face syndrome; X-linked alpha-thalassemia-mental retardation syndrome. Identifiers: Orphanet 847, MedGen C1845055, MONDO:0010519, OMIM 301040.

Submissions (2):

GeneDx
Classification: Uncertain significance. Last evaluated: 2024-06-11. Review status: criteria provided, single submitter. Criteria: GeneDx Variant Classification Process June 2021. Collection method: clinical testing. Allele origin: germline. Affected: yes.
Comment: Not observed at significant frequency in large population cohorts (gnomAD); In silico analysis indicates that this missense variant does not alter protein structure/function; Has not been previously published as pathogenic or benign to our knowledge

Labcorp Genetics (formerly Invitae), Labcorp
Classification: Uncertain significance for Alpha thalassemia-X-linked intellectual disability syndrome. Last evaluated: 2023-07-29. Review status: criteria provided, single submitter. Criteria: Invitae Variant Classification Sherloc (09022015). Collection method: clinical testing. Allele origin: germline.
Comment: This sequence change replaces glutamic acid, which is acidic and polar, with aspartic acid, which is acidic and polar, at codon 1464 of the ATRX protein (p.Glu1464Asp). Advanced modeling of protein sequence and biophysical properties (such as structural, functional, and spatial information, amino acid conservation, physicochemical variation, residue mobility, and thermodynamic stability) performed at Invitae indicates that this missense variant is not expected to disrupt ATRX protein function. This variant is not present in population databases (gnomAD no frequency). This variant has not been reported in the literature in individuals affected with ATRX-related conditions. In summary, the available evidence is currently insufficient to determine the role of this variant in disease. Therefore, it has been classified as a Variant of Uncertain Significance.

NM_000489.6(ATRX):c.4392A>C (p.Glu1464Asp)

Gene: ATRX (ATRX chromatin remodeler; minus strand). Cytogenetic location: Xq21.1.
Variant type: single nucleotide variant.
Coding change: c.4392A>C on transcript NM_000489.6 (MANE Select); coding-DNA position 4392, A replaced by C.
Protein change: p.Glu1464Asp; replaces glutamic acid 1464 with aspartic acid.
Molecular consequence: missense variant.
Genome position (GRCh38, 1-based): chrX:77,652,279, T>G on the plus strand (A>C on the coding strand, the complement: ATRX is on the minus strand). VCF-style: chrX-77652279-T-G. GRCh37 (hg19) VCF-style: chrX-76907769-T-G.
Other names: c.4392A>C (NM_000489.3); c.4278A>C, p.Glu1426Asp (NM_138270.5); short protein forms E1464D, E1426D.
Identifiers: ClinVar variation 2777451 (VCV002777451.4), dbSNP rs782637572, ClinGen allele CA413708572.